The following is an entry in ClinVar:

NM_016247.4(IMPG2):c.1721C>G (p.Ser574Cys)

Gene: IMPG2 (interphotoreceptor matrix proteoglycan 2; minus strand). Cytogenetic location: 3q12.3.
Variant type: single nucleotide variant.
Coding change: c.1721C>G on transcript NM_016247.4 (MANE Select); coding-DNA position 1721, C replaced by G.
Protein change: p.Ser574Cys; replaces serine 574 with cysteine.
Molecular consequence: missense variant.
Genome position (GRCh38, 1-based): chr3:101,244,610, G>C on the plus strand (C>G on the coding strand, the complement: IMPG2 is on the minus strand). VCF-style: chr3-101244610-G-C. GRCh37 (hg19) VCF-style: chr3-100963454-G-C.
Other names: short protein forms S574C.
Identifiers: ClinVar variation 1042053 (VCV001042053.8), dbSNP rs1434081359, ClinGen allele CA353860261.
Genomic context (GRCh38, chr3:101,244,610, plus strand): 5'-TCTTTTTCCATGGATGCATCTGGCAGGAAAGGGCTCACTTTTAATTGGTCTTTGACTTTG[G>C]AGGTCAAGGAGTCCAAGCCAAAAGGTATAGAAGAGGTCAGATATGGTGAAGATGTTAAGG-3'
Protein context (NP_057331.2, residues 564-584): SIPFGLDSLT[Ser574Cys]KVKDQLKVSP

ClinVar aggregate classification (germline): Uncertain significance (1 of 4 stars; one submission).

Submission:

Labcorp Genetics (formerly Invitae), Labcorp
Classification: Uncertain significance. Last evaluated: 2021-04-14. Review status: criteria provided, single submitter. Criteria: Invitae Variant Classification Sherloc (09022015). Collection method: clinical testing. Allele origin: germline.
Comment: In summary, the available evidence is currently insufficient to determine the role of this variant in disease. Therefore, it has been classified as a Variant of Uncertain Significance. Algorithms developed to predict the effect of missense changes on protein structure and function are either unavailable or do not agree on the potential impact of this missense change (SIFT: "Deleterious"; PolyPhen-2: "Possibly Damaging"; Align-GVGD: "Class C15"). This variant has not been reported in the literature in individuals with IMPG2-related conditions. This variant is not present in population databases (ExAC no frequency). This sequence change replaces serine with cysteine at codon 574 of the IMPG2 protein (p.Ser574Cys). The serine residue is moderately conserved and there is a moderate physicochemical difference between serine and cysteine.